The following is an entry in ClinVar:

NM_001048174.2(MUTYH):c.440C>G (p.Ala147Gly)

Gene: MUTYH (mutY DNA glycosylase; minus strand). Cytogenetic location: 1p34.1.
Variant type: single nucleotide variant.
Coding change: c.440C>G on transcript NM_001048174.2 (MANE Select); coding-DNA position 440, C replaced by G.
Protein change: p.Ala147Gly; replaces alanine 147 with glycine.
Molecular consequence: missense variant. On other transcripts: non-coding transcript variant (7).
Genome position (GRCh38, 1-based): chr1:45,332,815, G>C on the plus strand (C>G on the coding strand, the complement: MUTYH is on the minus strand). VCF-style: chr1-45332815-G-C. GRCh37 (hg19) VCF-style: chr1-45798487-G-C.
Other names: c.440C>G, p.Ala147Gly (NM_001048171.2, NM_001407070.1, NM_001407072.1 and 6 more transcripts); c.95C>G, p.Ala32Gly (NM_001350650.2, NM_001350651.2, NM_001407082.1); c.473C>G, p.Ala158Gly (NM_001407069.1, NM_001407077.1, NM_001293191.2); c.443C>G, p.Ala148Gly (NM_001407071.1, NM_001048172.2, NM_001407078.1 and 1 more transcripts); c.356C>G, p.Ala119Gly (NM_001407075.1); c.164C>G, p.Ala55Gly (NM_001407091.1, NM_001293192.2, NM_001293196.2); c.515C>G, p.Ala172Gly (NM_012222.3); c.524C>G, p.Ala175Gly (NM_001128425.2); and 5 more; short protein forms A154G, A162G, A32G, A147G, A161G, A172G, A133G, A158G.
Identifiers: ClinVar variation 4113715 (VCV004113715.1).
Genomic context (GRCh38, chr1:45,332,815, plus strand): 5'-CCCCTTACCTTCCGAGCTCCCTCCTGCAGCCGCCGGCCACGAGAATAGTAGCCCAGGCCA[G>C]CCCAGAGTTGATTCACCTCCTGTGGGTAGGATCAGAGGTCAAAGAGATCACCCGTCAGTC-3'
Protein context (NP_001041639.1, residues 137-157): ASLEEVNQLW[Ala147Gly]GLGYYSRGRR

ClinVar aggregate classification (germline): Uncertain significance (1 of 4 stars; one submission).

Conditions:
Hereditary cancer-predisposing syndrome. Also called: Hereditary neoplastic syndrome; Neoplastic Syndromes, Hereditary; Tumor predisposition; Hereditary Cancer Syndrome. Identifiers: Orphanet 140162, MedGen C0027672, MeSH D009386, MONDO:0015356.

Submission:

Ambry Genetics
Classification: Uncertain significance for Hereditary cancer-predisposing syndrome. Last evaluated: 2025-08-27. Review status: criteria provided, single submitter. Criteria: Ambry Variant Classification Scheme 2023. Collection method: clinical testing. Allele origin: germline.
Comment: The p.A175G variant (also known as c.524C>G), located in coding exon 7 of the MUTYH gene, results from a C to G substitution at nucleotide position 524. The alanine at codon 175 is replaced by glycine, an amino acid with similar properties. This amino acid position is conserved. In addition, the in silico prediction for this alteration is inconclusive. Based on the available evidence, the clinical significance of this variant remains unclear.